The following is an entry in ClinVar:

NM_024422.6(DSC2):c.20C>T (p.Ser7Phe)

Genes: DSC2 (desmocollin 2; minus strand), DSCAS (DSC1/DSC2 antisense RNA; plus strand). Cytogenetic location: 18q12.1.
Variant type: single nucleotide variant.
Coding change: c.20C>T on transcript NM_024422.6 (MANE Select); coding-DNA position 20, C replaced by T.
Protein change: p.Ser7Phe; replaces serine 7 with phenylalanine.
Molecular consequence: missense variant.
Genome position (GRCh38, 1-based): chr18:31,101,952, G>A on the plus strand (C>T on the coding strand, the complement: DSC2 is on the minus strand). VCF-style: chr18-31101952-G-A. GRCh37 (hg19) VCF-style: chr18-28681915-G-A.
Other names: c.20C>T, p.Ser7Phe (NM_004949.5); short protein forms S7F.
Identifiers: ClinVar variation 925438 (VCV000925438.11), dbSNP rs1227564823, ClinGen allele CA402115296.

ClinVar aggregate classification (germline): Conflicting classifications of pathogenicity. Review status: criteria provided, conflicting classifications (1 of 4 stars). 4 submissions from 4 submitters: Uncertain significance (3); Likely benign (1). Last evaluated 2025-09-04.

Conditions:
Familial isolated arrhythmogenic right ventricular dysplasia. Identifiers: Orphanet 217656, MedGen C4274968, MONDO:0016342.
Arrhythmogenic right ventricular dysplasia 11. Also called: ARRHYTHMOGENIC RIGHT VENTRICULAR DYSPLASIA, FAMILIAL, 11; Arrhythmogenic Right Ventricular Dysplasia/Cardiomyopathy11; Arrhythmogenic right ventricular dysplasia 11 with mild palmoplantar keratoderma and woolly hair. Identifiers: MedGen C1864850, MONDO:0012506, OMIM 610476.
Cardiomyopathy (CMYO). Also called: Cardiomyopathies. Identifiers: Orphanet 167848, MedGen C0878544, MONDO:0004994, HP:0001638. Inheritance: Various modes of inheritance.

Allele frequency attached by ClinVar (database versions not stated): gnomAD exomes 0.00001 and 0.00002; TOPMed below 0.00001.
gnomAD v4.1: 7 of 1,527,746 alleles (0.00046%); highest among the groups gnomAD compares: East Asian, 0.0025%; no homozygotes.

Submissions (4):

Color Diagnostics, LLC DBA Color Health
Classification: Likely benign for Cardiomyopathy. Last evaluated: 2025-09-04. Review status: criteria provided, single submitter. Criteria: ACMG Guidelines, 2015. Collection method: clinical testing. Allele origin: germline.

All of Us Research Program, National Institutes of Health
Classification: Uncertain significance for Familial isolated arrhythmogenic right ventricular dysplasia. Last evaluated: 2023-09-18. Review status: criteria provided, single submitter. Criteria: ACMG Guidelines, 2015. Collection method: clinical testing. Allele origin: germline. Inheritance: Autosomal dominant inheritance. Observed: 2 variant alleles, 2 heterozygotes.
Comment: This missense variant replaces serine with phenylalanine at codon 7 of the DSC2 protein. Computational prediction suggests that this variant may not impact protein structure and function (internally defined REVEL score threshold <= 0.5, PMID: 27666373). Splice site prediction tools suggest that this variant may not impact RNA splicing. To our knowledge, functional studies have not been performed for this variant. This variant has not been reported in individuals affected with cardiovascular disorders in the literature. This variant has been identified in 2/121616 chromosomes in the general population by the Genome Aggregation Database (gnomAD). The available evidence is insufficient to determine the role of this variant in disease conclusively. Therefore, this variant is classified as a Variant of Uncertain Significance.

This study involves interpretation of variants in research participants for the purpose of population health screening. Participant phenotype was not available at the time of variant classification. Additional details can be found in publication PMID: 35346344, PMCID: PMC8962531

Labcorp Genetics (formerly Invitae), Labcorp
Classification: Uncertain significance for Arrhythmogenic right ventricular dysplasia 11. Last evaluated: 2022-06-10. Review status: criteria provided, single submitter. Criteria: Invitae Variant Classification Sherloc (09022015). Collection method: clinical testing. Allele origin: germline.
Comment: In summary, the available evidence is currently insufficient to determine the role of this variant in disease. Therefore, it has been classified as a Variant of Uncertain Significance. Algorithms developed to predict the effect of missense changes on protein structure and function are either unavailable or do not agree on the potential impact of this missense change (SIFT: "Deleterious"; PolyPhen-2: "Benign"; Align-GVGD: "Class C0"). ClinVar contains an entry for this variant (Variation ID: 925438). This variant has not been reported in the literature in individuals affected with DSC2-related conditions. This variant is present in population databases (no rsID available, gnomAD 0.005%). This sequence change replaces serine, which is neutral and polar, with phenylalanine, which is neutral and non-polar, at codon 7 of the DSC2 protein (p.Ser7Phe).

CHEO Genetics Diagnostic Laboratory, Children's Hospital of Eastern Ontario
Classification: Uncertain significance for Cardiomyopathy. Last evaluated: 2020-02-24. Review status: criteria provided, single submitter. Criteria: ACMG Guidelines, 2015. Collection method: clinical testing. Allele origin: germline.